The following is an entry in ClinVar:

ClinVar aggregate classification (germline): Likely benign. Review status: criteria provided, multiple submitters, no conflicts (2 of 4 stars). 3 submissions from 3 submitters: Likely benign (2). 1 of the submissions does not count toward it. Last evaluated 2024-09-04.

Conditions:
Immunodeficiency, common variable, 7. Identifiers: Orphanet 1572, Orphanet 696894, MedGen C3542922, MONDO:0013862, OMIM 614699.
CR2-related disorder. Also called: CR2-related disorders; CR2-related condition.

Allele frequency attached by ClinVar (database versions not stated): gnomAD 0.00007; ESP Exome Variant Server 0.00008; TOPMed 0.00013.
gnomAD v4.1: 26 of 1,613,838 alleles (0.0016%); highest among the groups gnomAD compares: African/African-American, 0.031%; no homozygotes.

Submissions (3):

Blueprint Genetics
Classification: Likely benign. Last evaluated: 2024-09-04. Review status: criteria provided, single submitter. Criteria: ACMG Guidelines, 2015. Collection method: clinical testing. Allele origin: germline.

Labcorp Genetics (formerly Invitae), Labcorp
Classification: Likely benign for Immunodeficiency, common variable, 7. Last evaluated: 2022-09-13. Review status: criteria provided, single submitter. Criteria: Invitae Variant Classification Sherloc (09022015). Collection method: clinical testing. Allele origin: germline.

PreventionGenetics, part of Exact Sciences
Classification: Likely benign for CR2-related condition. Last evaluated: 2019-08-13. Review status: no assertion criteria provided. Collection method: clinical testing. Allele origin: germline. Not counted in ClinVar's aggregate classification.
Comment: This variant is classified as likely benign based on ACMG/AMP sequence variant interpretation guidelines (Richards et al. 2015 PMID: 25741868, with internal and published modifications).

NM_001006658.3(CR2):c.909C>T (p.Tyr303=)

Genes: CR2 (complement C3d receptor 2; plus strand), LOC126805994 (BRD4-independent group 4 enhancer GRCh37_chr1:207642622-207643821; plus strand). Cytogenetic location: 1q32.2.
Variant type: single nucleotide variant.
Coding change: c.909C>T on transcript NM_001006658.3 (MANE Select); coding-DNA position 909, C replaced by T.
Protein change: p.Tyr303=; no amino-acid change (tyrosine 303 retained).
Molecular consequence: synonymous variant.
Genome position (GRCh38, 1-based): chr1:207,469,786, C>T. VCF-style: chr1-207469786-C-T. GRCh37 (hg19) VCF-style: chr1-207643131-C-T.
Other names: c.909C>T, p.Tyr303= (NM_001877.5).
Identifiers: ClinVar variation 2160103 (VCV002160103.7), dbSNP rs148336036, ClinGen allele CA1368578.